The following is an entry in ClinVar:

NM_004415.4(DSP):c.2298-3C>T

Gene: DSP (desmoplakin; plus strand). Cytogenetic location: 6p24.3.
Variant type: single nucleotide variant.
Coding change: c.2298-3C>T on transcript NM_004415.4 (MANE Select); 3 bases into the intron before coding-DNA position 2298, C replaced by T.
Molecular consequence: intron variant.
Genome position (GRCh38, 1-based): chr6:7,574,654, C>T. VCF-style: chr6-7574654-C-T. GRCh37 (hg19) VCF-style: chr6-7574887-C-T.
Other names: c.2298-3C>T (NM_001319034.2, NM_001008844.3).
Identifiers: ClinVar variation 1416558 (VCV001416558.7), dbSNP rs1300722110, ClinGen allele CA565105131.

ClinVar aggregate classification (germline): Conflicting classifications of pathogenicity. Review status: criteria provided, conflicting classifications (1 of 4 stars). 2 submissions from 2 submitters: Uncertain significance (1); Likely benign (1). Last evaluated 2024-06-22.

Conditions:
Arrhythmogenic cardiomyopathy with wooly hair and keratoderma. Also called: Carvajal syndrome; Arrhythmogenic cardiomyopathy with woolly hair and keratoderma; PALMOPLANTAR KERATODERMA WITH LEFT VENTRICULAR CARDIOMYOPATHY AND WOOLLY HAIR; Dilated cardiomyopathy with woolly hair and keratoderma. Identifiers: Orphanet 65282, MedGen C1854063, MONDO:0011581, OMIM 605676.
Arrhythmogenic right ventricular dysplasia 8 (ARVD8). Also called: Arrhythmogenic Right Ventricular Dysplasia/Cardiomyopathy 8; ARRHYTHMOGENIC RIGHT VENTRICULAR DYSPLASIA, FAMILIAL, 8; ARRHYTHMOGENIC RIGHT VENTRICULAR CARDIOMYOPATHY 8. Identifiers: MedGen C1843896, MONDO:0011831, OMIM 607450.

Allele frequency attached by ClinVar (database versions not stated): gnomAD exomes 0.00001.
gnomAD v4.1: 6 of 1,613,952 alleles (0.00037%); highest among the groups gnomAD compares: Non-Finnish European, 0.00051%; no homozygotes.

Submissions (2):

Labcorp Genetics (formerly Invitae), Labcorp
Classification: Uncertain significance for Arrhythmogenic cardiomyopathy with wooly hair and keratoderma; Arrhythmogenic right ventricular dysplasia 8. Last evaluated: 2024-06-22. Review status: criteria provided, single submitter. Criteria: Invitae Variant Classification Sherloc (09022015). Collection method: clinical testing. Allele origin: germline.
Comment: This sequence change falls in intron 16 of the DSP gene. It does not directly change the encoded amino acid sequence of the DSP protein. It affects a nucleotide within the consensus splice site. This variant is present in population databases (no rsID available, gnomAD 0.002%). This variant has not been reported in the literature in individuals affected with DSP-related conditions. ClinVar contains an entry for this variant (Variation ID: 1416558). Variants that disrupt the consensus splice site are a relatively common cause of aberrant splicing (PMID: 17576681, 9536098). Algorithms developed to predict the effect of sequence changes on RNA splicing suggest that this variant is not likely to affect RNA splicing. In summary, the available evidence is currently insufficient to determine the role of this variant in disease. Therefore, it has been classified as a Variant of Uncertain Significance.

Blueprint Genetics
Classification: Likely benign. Last evaluated: 2024-05-21. Review status: criteria provided, single submitter. Criteria: ACMG Guidelines, 2015. Collection method: clinical testing. Allele origin: germline.

Literature cited by the submitters: PubMed 17576681 (cited by Labcorp Genetics (formerly Invitae), Labcorp); PubMed 9536098 (cited by Labcorp Genetics (formerly Invitae), Labcorp).